The following is an entry in ClinVar:

NM_001267550.2(TTN):c.57295_57296insC (p.Arg19099fs)

Genes: TTN (titin; minus strand), TTN-AS1 (TTN antisense RNA 1; plus strand). Cytogenetic location: 2q31.2.
Variant type: Insertion.
Coding change: c.57295_57296insC on transcript NM_001267550.2 (MANE Select); coding-DNA positions 57295 to 57296, C inserted.
Protein change: p.Arg19099fs; shifts the reading frame from arginine 19099.
Molecular consequence: frameshift variant.
Genome position: GRCh38 VCF-style: chr2-178597786-C-CG. GRCh37 (hg19) VCF-style: chr2-179462513-C-CG.
Other names: c.52372_52373insC, p.Arg17458fs (NM_001256850.1); c.30100_30101insC, p.Arg10034fs (NM_003319.4); c.49591_49592insC, p.Arg16531fs (NM_133378.4); c.30475_30476insC, p.Arg10159fs (NM_133432.3); c.30676_30677insC, p.Arg10226fs (NM_133437.4); short protein forms R10034fs, R17458fs, R10226fs, R10159fs, R19099fs, R16531fs.
Identifiers: ClinVar variation 1513018 (VCV001513018.8), dbSNP rs2154189974, ClinGen allele CA2573133748.

ClinVar aggregate classification (germline): Likely pathogenic (1 of 4 stars; one submission).

Conditions:
Dilated cardiomyopathy 1G (CMD1G). Identifiers: Orphanet 154, MedGen C1858763, MONDO:0011400, OMIM 604145.
Autosomal recessive limb-girdle muscular dystrophy type 2J (LGMDR10). Also called: Limb-girdle muscular dystrophy, type 2J; MUSCULAR DYSTROPHY, LIMB-GIRDLE, AUTOSOMAL RECESSIVE 10. Identifiers: Orphanet 140922, MedGen C1837342, MONDO:0012127, OMIM 608807.

Submission:

Labcorp Genetics (formerly Invitae), Labcorp
Classification: Likely pathogenic for Dilated cardiomyopathy 1G; Autosomal recessive limb-girdle muscular dystrophy type 2J. Last evaluated: 2025-02-17. Review status: criteria provided, single submitter. Criteria: Invitae Variant Classification Sherloc (09022015). Collection method: clinical testing. Allele origin: germline.
Comment: This sequence change creates a premature translational stop signal (p.Arg19099Thrfs*3) in the TTN gene. While this is not anticipated to result in nonsense mediated decay, it is expected to create a truncated TTN protein. This variant is not present in population databases (gnomAD no frequency). This variant has not been reported in the literature in individuals affected with TTN-related conditions. ClinVar contains an entry for this variant (Variation ID: 1513018). This variant is located in the A band of TTN (PMID: 25589632). Truncating variants in this region are significantly overrepresented in patients affected with dilated cardiomyopathy (PMID: 25589632). Truncating variants in this region have also been reported in individuals affected with autosomal recessive centronuclear myopathy (PMID: 23975875). In summary, the currently available evidence indicates that the variant is pathogenic, but additional data are needed to prove that conclusively. Therefore, this variant has been classified as Likely Pathogenic.

Literature cited by the submitters: PubMed 25589632; PubMed 23975875.